The following is an entry in ClinVar:

ClinVar aggregate classification (germline): Uncertain significance (1 of 4 stars; one submission).

Conditions:
Inborn genetic diseases. Identifiers: MedGen C0950123, MeSH D030342.

Submission:

Ambry Genetics
Classification: Uncertain significance for Inborn genetic diseases. Last evaluated: 2026-02-16. Review status: criteria provided, single submitter. Criteria: Ambry Variant Classification Scheme 2023. Collection method: clinical testing. Allele origin: germline.
Comment: The p.D314Y variant (also known as c.940G>T), located in coding exon 10 of the RTEL1 gene, results from a G to T substitution at nucleotide position 940. The aspartic acid at codon 314 is replaced by tyrosine, an amino acid with highly dissimilar properties. This amino acid position is conserved. In addition, this alteration is predicted to be deleterious by in silico analysis. Based on the available evidence, the clinical significance of this variant remains unclear.

NM_001283009.2(RTEL1):c.940G>T (p.Asp314Tyr)

Genes: RTEL1 (regulator of telomere elongation helicase 1; plus strand), RTEL1-TNFRSF6B (RTEL1-TNFRSF6B readthrough (NMD candidate); plus strand). Cytogenetic location: 20q13.33.
Variant type: single nucleotide variant.
Coding change: c.940G>T on transcript NM_001283009.2 (MANE Select); coding-DNA position 940, G replaced by T.
Protein change: p.Asp314Tyr; replaces aspartic acid 314 with tyrosine.
Molecular consequence: missense variant. On other transcripts: non-coding transcript variant (1).
Genome position (GRCh38, 1-based): chr20:63,678,165, G>T. VCF-style: chr20-63678165-G-T. GRCh37 (hg19) VCF-style: chr20-62309518-G-T.
Other names: c.271G>T, p.Asp91Tyr (NM_001283010.1); c.940G>T, p.Asp314Tyr (NM_016434.4); c.1012G>T, p.Asp338Tyr (NM_032957.5); short protein forms D91Y, D338Y, D314Y.
Identifiers: ClinVar variation 4825677 (VCV004825677.1).
Genomic context (GRCh38, chr20:63,678,165, plus strand): 5'-GCGTGATGCAGACTGCCTTTGCTGCCTTTCTCTTGCCCAGGGCTGAACATGGAGCTGGAA[G>T]ACATTGCAAAGCTGAAGAGTAAGTGTTGCCCTCCCCGCCTCCTTGCAGCTGGGTGGGGCC-3'
Protein context (NP_001269938.1, residues 304-324): PSPGLNMELE[Asp314Tyr]IAKLKMILLR